The following is an entry in ClinVar:

ClinVar aggregate classification (germline): Uncertain significance. Review status: criteria provided, multiple submitters, no conflicts (2 of 4 stars). 2 submissions from 2 submitters: Uncertain significance (2). Last evaluated 2022-11-03.

Conditions:
Primary ciliary dyskinesia. Also called: Ciliary dyskinesia. Identifiers: Orphanet 244, MedGen C0008780, MONDO:0016575, HP:0012265.

Submissions (2):

Blueprint Genetics
Classification: Uncertain significance. Last evaluated: 2022-11-03. Review status: criteria provided, single submitter. Criteria: ACMG Guidelines, 2015. Collection method: clinical testing. Allele origin: germline.

Labcorp Genetics (formerly Invitae), Labcorp
Classification: Uncertain significance for Primary ciliary dyskinesia. Last evaluated: 2022-08-19. Review status: criteria provided, single submitter. Criteria: Invitae Variant Classification Sherloc (09022015). Collection method: clinical testing. Allele origin: germline.
Comment: In summary, the available evidence is currently insufficient to determine the role of this variant in disease. Therefore, it has been classified as a Variant of Uncertain Significance. This variant has not been reported in the literature in individuals affected with RPGR-related conditions. This variant, c.1100_1102del, results in the deletion of 1 amino acid(s) of the RPGR protein (p.Pro367del), but otherwise preserves the integrity of the reading frame. This variant is not present in population databases (gnomAD no frequency). Experimental studies and prediction algorithms are not available or were not evaluated, and the functional significance of this variant is currently unknown.

NM_001034853.2(RPGR):c.1097CTC[1] (p.Pro367del)

Gene: RPGR (retinitis pigmentosa GTPase regulator; minus strand). Cytogenetic location: Xp11.4.
Variant type: Microsatellite.
Coding change: c.1097CTC[1] on transcript NM_001034853.2 (MANE Select); one copy of the 3-base unit CTC starting at c.1097; the reference has two copies in a row; one copy, 3 bases deleted.
Protein change: p.Pro367del; deletes proline 367.
Molecular consequence: inframe deletion. On other transcripts: non-coding transcript variant (6), intron variant (2).
Genome position (GRCh38, 1-based): chrX:38,299,099-38,299,101, GAG deleted on the plus strand (CTC on the coding strand, the reverse complement: RPGR is on the minus strand); deleting any 3 consecutive bases within chrX:38,299,099-38,299,104 gives the same sequence; the position shown is the placement nearest the transcript's 3' end. VCF-style (leftmost placement, unchanged base first): chrX-38299098-TGAG-T. GRCh37 (hg19) VCF-style: chrX-38158351-TGAG-T.
Other names: c.1097CTC[1], p.Pro367del (NM_000328.3, NM_001367247.1); c.1094CTC[1], p.Pro366del (NM_001367245.1, NM_001367249.1, NM_001367250.1); c.1127CTC[1], p.Pro377del (NM_001367248.1); c.1060-1649_1060-1647del (NM_001367251.1, NM_001367246.1); short protein forms P377del, P366del, P367del.
Identifiers: ClinVar variation 1400306 (VCV001400306.9), dbSNP rs1357261084, ClinGen allele CA412740004.